The following is an entry in ClinVar:

ClinVar aggregate classification (germline): Uncertain significance (1 of 4 stars; one submission).

Submission:

Women's Health and Genetics/Laboratory Corporation of America, LabCorp
Classification: Uncertain significance. Last evaluated: 2025-03-17. Review status: criteria provided, single submitter. Criteria: LabCorp Variant Classification Summary - May 2015. Collection method: clinical testing. Allele origin: germline.
Comment: Variant summary: FOLR1 c.505T>C (p.Cys169Arg) results in a non-conservative amino acid change in the encoded protein sequence. Five of five in-silico tools predict a damaging effect of the variant on protein function. The variant was absent in 251468 control chromosomes. The available data on variant occurrences in the general population are insufficient to allow any conclusion about variant significance. c.505T>C has been reported in the literature in a homozygous individual affected with an inherited metabolic disorder but precise phenotype has not been provided (Kiewiet_2024). These report(s) do not provide unequivocal conclusions about association of the variant with Cerebral folate transport deficiency. To our knowledge, no experimental evidence demonstrating an impact on protein function has been reported. The following publication have been ascertained in the context of this evaluation (PMID: 38535124). No submitters have cited clinical-significance assessments for this variant to ClinVar. Based on the evidence outlined above, the variant was classified as uncertain significance.

Literature cited by the submitters: PubMed 38535124.

NM_016729.3(FOLR1):c.505T>C (p.Cys169Arg)

Genes: FOLR1 (folate receptor alpha; plus strand), FOLR1-AS1 (FOLR1 antisense RNA 1; minus strand). Cytogenetic location: 11q13.4.
Variant type: single nucleotide variant.
Coding change: c.505T>C on transcript NM_016729.3 (MANE Select); coding-DNA position 505, T replaced by C.
Protein change: p.Cys169Arg; replaces cysteine 169 with arginine.
Molecular consequence: missense variant.
Genome position (GRCh38, 1-based): chr11:72,195,908, T>C. VCF-style: chr11-72195908-T-C. GRCh37 (hg19) VCF-style: chr11-71906952-T-C.
Other names: c.505T>C, p.Cys169Arg (NM_000802.3, NM_016724.3, NM_016725.3); short protein forms C169R.
Identifiers: ClinVar variation 3895594 (VCV003895594.1).